The following is an entry in ClinVar:

ClinVar aggregate classification (germline): Conflicting classifications of pathogenicity. Review status: criteria provided, conflicting classifications (1 of 4 stars). 2 submissions from 2 submitters: Uncertain significance (1); Likely benign (1). Last evaluated 2024-10-24.

Allele frequency attached by ClinVar (database versions not stated): gnomAD exomes below 0.00001 and 0.00001; gnomAD 0.00001; TOPMed 0.00001.
gnomAD v4.1: 7 of 1,551,566 alleles (0.00045%); highest among the groups gnomAD compares: Middle Eastern, 0.033%; no homozygotes.

Submissions (2):

Labcorp Genetics (formerly Invitae), Labcorp
Classification: Uncertain significance. Last evaluated: 2024-10-24. Review status: criteria provided, single submitter. Criteria: Invitae Variant Classification Sherloc (09022015). Collection method: clinical testing. Allele origin: germline.
Comment: This sequence change replaces arginine, which is basic and polar, with histidine, which is basic and polar, at codon 539 of the DTHD1 protein (p.Arg539His). This variant is present in population databases (no rsID available, gnomAD 0.002%). This variant has not been reported in the literature in individuals affected with DTHD1-related conditions. ClinVar contains an entry for this variant (Variation ID: 956596). An algorithm developed to predict the effect of missense changes on protein structure and function outputs the following: PolyPhen-2: "Benign". The histidine amino acid residue is found in multiple mammalian species, which suggests that this missense change does not adversely affect protein function. In summary, the available evidence is currently insufficient to determine the role of this variant in disease. Therefore, it has been classified as a Variant of Uncertain Significance.

Ambry Genetics
Classification: Likely benign. Last evaluated: 2024-03-15. Review status: criteria provided, single submitter. Criteria: Ambry Variant Classification Scheme 2023. Collection method: clinical testing. Allele origin: germline.

NM_001170700.3(DTHD1):c.2486G>A (p.Arg829His)

Gene: DTHD1 (death domain containing 1; plus strand). Cytogenetic location: 4p14.
Variant type: single nucleotide variant.
Coding change: c.2486G>A on transcript NM_001170700.3 (MANE Select); coding-DNA position 2486, G replaced by A.
Protein change: p.Arg829His; replaces arginine 829 with histidine.
Molecular consequence: missense variant. On other transcripts: non-coding transcript variant (2).
Genome position (GRCh38, 1-based): chr4:36,343,589, G>A. VCF-style: chr4-36343589-G-A. GRCh37 (hg19) VCF-style: chr4-36345211-G-A.
Other names: c.2111G>A (NM_001170700.1); c.1616G>A, p.Arg539His (NM_001136536.5); c.1495G>A, p.Ala499Thr (NM_001378435.1); short protein forms A499T, R539H, R829H.
Identifiers: ClinVar variation 956596 (VCV000956596.8), dbSNP rs1228231249, ClinGen allele CA356682195.
Genomic context (GRCh38, chr4:36,343,589, plus strand): 5'-GGCTGGCTGAGGAGCTCTCAGAAGAAAATGCTGAGTCTCTTTCCTCAACTCTCCCTCTGC[G>A]CCGTAGCACCATTCAGCTCATCAAACTCAAGAACCCTGATGATCTCACAGAACAGATCCA-3'
Protein context (NP_001164171.2, residues 819-839): AESLSSTLPL[Arg829His]RSTIQLIKLK